The following is an entry in ClinVar:

NM_000397.4(CYBB):c.1067G>A (p.Arg356His)

Gene: CYBB (cytochrome b-245 beta chain; plus strand). Cytogenetic location: Xp11.4.
Variant type: single nucleotide variant.
Coding change: c.1067G>A on transcript NM_000397.4 (MANE Select); coding-DNA position 1067, G replaced by A.
Protein change: p.Arg356His; replaces arginine 356 with histidine.
Molecular consequence: missense variant.
Genome position (GRCh38, 1-based): chrX:37,804,046, G>A. VCF-style: chrX-37804046-G-A. GRCh37 (hg19) VCF-style: chrX-37663299-G-A.
Other names: short protein forms R356H.
Identifiers: ClinVar variation 3621530 (VCV003621530.2).

ClinVar aggregate classification (germline): Uncertain significance (1 of 4 stars; one submission).

Conditions:
Granulomatous disease, chronic, X-linked. Also called: GRANULOMATOUS DISEASE, CHRONIC, X-LINKED, SOMATIC MOSAIC; CYTOCHROME b-NEGATIVE GRANULOMATOUS DISEASE, CHRONIC, X-LINKED. Identifiers: Orphanet 379, MedGen C1844376, MONDO:0010600, OMIM 306400.

gnomAD v4.1: 2 of 1,210,628 alleles (0.00017%); highest among the groups gnomAD compares: Admixed American, 0.0022%; no homozygotes.

Submission:

Labcorp Genetics (formerly Invitae), Labcorp
Classification: Uncertain significance for Granulomatous disease, chronic, X-linked. Last evaluated: 2024-05-18. Review status: criteria provided, single submitter. Criteria: Invitae Variant Classification Sherloc (09022015). Collection method: clinical testing. Allele origin: germline.
Comment: This sequence change replaces arginine, which is basic and polar, with histidine, which is basic and polar, at codon 356 of the CYBB protein (p.Arg356His). This variant is present in population databases (no rsID available, gnomAD 0.004%), including at least one homozygous and/or hemizygous individual. This variant has not been reported in the literature in individuals affected with CYBB-related conditions. Advanced modeling of protein sequence and biophysical properties (such as structural, functional, and spatial information, amino acid conservation, physicochemical variation, residue mobility, and thermodynamic stability) performed at Invitae indicates that this missense variant is expected to disrupt CYBB protein function with a positive predictive value of 80%. In summary, the available evidence is currently insufficient to determine the role of this variant in disease. Therefore, it has been classified as a Variant of Uncertain Significance.